The following is an entry in ClinVar:

NM_000492.4(CFTR):c.3242C>G (p.Ala1081Gly)

Genes: CFTR (CF transmembrane conductance regulator; plus strand), CFTR-AS2 (CFTR antisense RNA 2; minus strand), LOC111674472 (DNase I hypersensitive sites in introns 16 and 17a of CFTR; plus strand). Cytogenetic location: 7q31.2.
Variant type: single nucleotide variant.
Coding change: c.3242C>G on transcript NM_000492.4 (MANE Select); coding-DNA position 3242, C replaced by G.
Protein change: p.Ala1081Gly; replaces alanine 1081 with glycine.
Molecular consequence: missense variant.
Genome position (GRCh38, 1-based): chr7:117,611,683, C>G. VCF-style: chr7-117611683-C-G. GRCh37 (hg19) VCF-style: chr7-117251737-C-G.
Other names: short protein forms A1081G.
Identifiers: ClinVar variation 3231879 (VCV003231879.1), dbSNP rs1371904930, ClinGen allele CA368992226.

ClinVar aggregate classification (germline): Uncertain significance (1 of 4 stars; one submission).

Conditions:
Cystic fibrosis (CF). Also called: MUCOVISCIDOSIS. Identifiers: Orphanet 586, MedGen C0010674, MONDO:0009061, OMIM 219700. Disease mechanism: loss of function.

gnomAD v4.1: 6 of 1,613,412 alleles (0.00037%); highest among the groups gnomAD compares: Non-Finnish European, 0.000085%; no homozygotes.

Submission:

Ambry Genetics
Classification: Uncertain significance for Cystic fibrosis. Last evaluated: 2024-02-20. Review status: criteria provided, single submitter. Criteria: Ambry Variant Classification Scheme 2023. Collection method: clinical testing. Allele origin: germline.
Comment: The p.A1081G variant (also known as c.3242C>G), located in coding exon 20 of the CFTR gene, results from a C to G substitution at nucleotide position 3242. The alanine at codon 1081 is replaced by glycine, an amino acid with similar properties. This amino acid position is conserved. In addition, this alteration is predicted to be deleterious by in silico analysis. Based on the available evidence, the clinical significance of this alteration remains unclear.